The following is an entry in ClinVar:

ClinVar aggregate classification (germline): Likely benign. Review status: criteria provided, multiple submitters, no conflicts (2 of 4 stars). 3 submissions from 3 submitters: Likely benign (3). Last evaluated 2025-09-04.

Conditions:
Cardiovascular phenotype. Identifiers: MedGen CN230736.

Allele frequency attached by ClinVar (database versions not stated): gnomAD exomes below 0.00001 and 0.00002; TOPMed 0.00002; gnomAD 0.00003.
gnomAD v4.1: 10 of 1,550,186 alleles (0.00065%); highest among the groups gnomAD compares: African/African-American, 0.011%; no homozygotes.

Submissions (3):

Labcorp Genetics (formerly Invitae), Labcorp
Classification: Likely benign. Last evaluated: 2025-09-04. Review status: criteria provided, single submitter. Criteria: Invitae Variant Classification Sherloc (09022015). Collection method: clinical testing. Allele origin: germline.

Ambry Genetics
Classification: Likely benign for Cardiovascular phenotype. Last evaluated: 2019-08-08. Review status: criteria provided, single submitter. Criteria: Ambry Variant Classification Scheme 2023. Collection method: clinical testing. Allele origin: germline.

GeneDx
Classification: Likely benign. Last evaluated: 2017-01-09. Review status: criteria provided, single submitter. Criteria: GeneDx Variant Classification (06012015). Collection method: clinical testing. Allele origin: germline. Affected: yes.
Comment: This variant is considered likely benign or benign based on one or more of the following criteria: it is a conservative change, it occurs at a poorly conserved position in the protein, it is predicted to be benign by multiple in silico algorithms, and/or has population frequency not consistent with disease.

NM_001367624.2(ZNF469):c.8577C>T (p.Phe2859=)

Gene: ZNF469 (zinc finger protein 469; plus strand). Cytogenetic location: 16q24.2.
Variant type: single nucleotide variant.
Coding change: c.8577C>T on transcript NM_001367624.2 (MANE Select); coding-DNA position 8577, C replaced by T.
Protein change: p.Phe2859=; no amino-acid change (phenylalanine 2859 retained).
Molecular consequence: synonymous variant.
Genome position (GRCh38, 1-based): chr16:88,436,047, C>T. VCF-style: chr16-88436047-C-T. GRCh37 (hg19) VCF-style: chr16-88502455-C-T.
Other names: NM_001127464.1:c.8493C>T.
Identifiers: ClinVar variation 392539 (VCV000392539.6), dbSNP rs1057524534, ClinGen allele CA16607468.